The following is an entry in ClinVar:

ClinVar aggregate classification (germline): Uncertain significance (1 of 4 stars; one submission).

Conditions:
GLIS3-related disorder. Also called: GLIS3-related condition.

gnomAD v4.1: 20 of 1,614,108 alleles (0.0012%); highest among the groups gnomAD compares: Middle Eastern, 0.016%; no homozygotes.

Submission:

PreventionGenetics, part of Exact Sciences
Classification: Uncertain significance for GLIS3-related condition. Last evaluated: 2026-06-06. Review status: criteria provided, single submitter. Criteria: ACMG Guidelines, 2015. Collection method: clinical testing. Allele origin: germline.
Comment: The GLIS3 c.2567C>T variant is predicted to result in the amino acid substitution p.Ser856Leu. To our knowledge, this variant has not been reported in the literature. This variant is reported in 0.0031% of alleles in individuals of European (Non-Finnish) descent in gnomAD. At this time, the clinical significance of this variant is uncertain due to the absence of conclusive functional and genetic evidence.

NM_001042413.2(GLIS3):c.2567C>T (p.Ser856Leu)

Gene: GLIS3 (GLIS family zinc finger 3; minus strand). Cytogenetic location: 9p24.2.
Variant type: single nucleotide variant.
Coding change: c.2567C>T on transcript NM_001042413.2 (MANE Select); coding-DNA position 2567, C replaced by T.
Protein change: p.Ser856Leu; replaces serine 856 with leucine.
Molecular consequence: missense variant.
Genome position (GRCh38, 1-based): chr9:3,829,399, G>A on the plus strand (C>T on the coding strand, the complement: GLIS3 is on the minus strand). VCF-style: chr9-3829399-G-A. GRCh37 (hg19) VCF-style: chr9-3829399-G-A.
Other names: c.2567C>T, p.Ser856Leu (NM_001438906.1, NM_001438907.1, NM_001438908.1); c.2102C>T, p.Ser701Leu (NM_001438909.1, NM_152629.4); c.1901C>T, p.Ser634Leu (NM_001438911.1, NM_001438912.1); short protein forms S856L, S634L, S701L.
Identifiers: ClinVar variation 4981408 (VCV004981408.1).